The following is an entry in ClinVar:

ClinVar aggregate classification (germline): Uncertain significance. Review status: criteria provided, multiple submitters, no conflicts (2 of 4 stars). 9 submissions from 9 submitters: Uncertain significance (9). Last evaluated 2025-12-03.

Conditions:
Familial pancreatic carcinoma. Identifiers: Orphanet 1333, MedGen C2931038, MONDO:0015278, OMIM 260350.
Hereditary breast ovarian cancer syndrome. Also called: Hereditary breast and/or ovarian cancer syndrome; Breast and ovarian cancer; Hereditary breast and ovarian cancer syndrome; Hereditary breast and ovarian cancer; Hereditary breast and ovarian cancer syndrome (HBOC); BRCA1- and BRCA2-Associated Hereditary Breast and Ovarian Cancer. Identifiers: Orphanet 145, MedGen C0677776, MeSH D061325, MONDO:0003582. Disease mechanism: loss of function.
BRCA1-related disorder. Also called: BRCA1-related condition.
Hereditary cancer-predisposing syndrome. Also called: Tumor predisposition; Hereditary neoplastic syndrome; Hereditary Cancer Syndrome; Neoplastic Syndromes, Hereditary. Identifiers: Orphanet 140162, MedGen C0027672, MeSH D009386, MONDO:0015356.
Breast-ovarian cancer, familial, susceptibility to, 1 (BROVCA1). Also called: BRCA1 Hereditary Breast and Ovarian Cancer; OVARIAN CANCER, SUSCEPTIBILITY TO. Identifiers: Orphanet 145, MedGen C2676676, MONDO:0011450, OMIM 604370. Disease mechanism: loss of function.

Allele frequency attached by ClinVar (database versions not stated): gnomAD exomes below 0.00001; ExAC 0.00001; gnomAD 0.00001; TOPMed 0.00001; 1000 Genomes Project 30x 0.00016; 1000 Genomes Project 0.00020.
gnomAD v4.1: 3 of 1,613,884 alleles (0.00019%); highest among the groups gnomAD compares: Admixed American, 0.005%; no homozygotes.

Submissions (9):

Labcorp Genetics (formerly Invitae), Labcorp
Classification: Uncertain significance for Hereditary breast ovarian cancer syndrome. Last evaluated: 2025-12-03. Review status: criteria provided, single submitter. Criteria: Invitae Variant Classification Sherloc (09022015). Collection method: clinical testing. Allele origin: germline.
Comment: This sequence change replaces glycine, which is neutral and non-polar, with valine, which is neutral and non-polar, at codon 1560 of the BRCA1 protein (p.Gly1560Val). This variant is present in population databases (rs564757581, gnomAD 0.003%). This missense change has been observed in individual(s) with clinical features of BRCA1-related conditions (PMID: 21520333, 37664050). ClinVar contains an entry for this variant (Variation ID: 142627). Invitae Evidence Modeling of protein sequence and biophysical properties (such as structural, functional, and spatial information, amino acid conservation, physicochemical variation, residue mobility, and thermodynamic stability) indicates that this missense variant is not expected to disrupt BRCA1 protein function with a negative predictive value of 95%. In summary, the available evidence is currently insufficient to determine the role of this variant in disease. Therefore, it has been classified as a Variant of Uncertain Significance.

PreventionGenetics, part of Exact Sciences
Classification: Uncertain significance for BRCA1-related condition. Last evaluated: 2025-09-02. Review status: criteria provided, single submitter. Criteria: ACMG Guidelines, 2015. Collection method: clinical testing. Allele origin: germline.
Comment: The BRCA1 c.4679G>T variant is predicted to result in the amino acid substitution p.Gly1560Val. This variant has been reported in an individual with ovarian cancer (Table S1, Ferreyra et al. 2023. PubMed ID: 37664050). In addition, a RNA study showed that this variant does not impact splicing (Fokkema et al. 2011. PubMed ID: 21520333). This variant is reported in 0.0029% of alleles in individuals of Latino descent in gnomAD and is reported as uncertain in ClinVar (Variation ID: 142627). At this time, the clinical significance of this variant is uncertain due to the absence of conclusive functional and genetic evidence.

GeneDx
Classification: Uncertain significance. Last evaluated: 2025-01-05. Review status: criteria provided, single submitter. Criteria: GeneDx Variant Classification Process June 2021. Collection method: clinical testing. Allele origin: germline.
Comment: Not observed at significant frequency in large population cohorts (gnomAD); In silico analysis supports that this missense variant has a deleterious effect on protein structure/function; Has not been previously published as pathogenic or benign to our knowledge; Also known as 4798G>T; This variant is associated with the following publications: (PMID: 29168416, 10220405, 9974970, 11301010)

Ambry Genetics
Classification: Uncertain significance for Hereditary cancer-predisposing syndrome. Last evaluated: 2024-12-08. Review status: criteria provided, single submitter. Criteria: Ambry Variant Classification Scheme 2023. Collection method: clinical testing. Allele origin: germline.
Comment: The p.G1560V variant (also known as c.4679G>T), located in coding exon 14 of the BRCA1 gene, results from a G to T substitution at nucleotide position 4679. The glycine at codon 1560 is replaced by valine, an amino acid with dissimilar properties. This amino acid position is well conserved in available vertebrate species. In addition, the in silico prediction for this alteration is inconclusive. Since supporting evidence is limited at this time, the clinical significance of this alteration remains unclear.

Women's Health and Genetics/Laboratory Corporation of America, LabCorp
Classification: Uncertain significance. Last evaluated: 2024-11-12. Review status: criteria provided, single submitter. Criteria: LabCorp Variant Classification Summary - May 2015. Collection method: clinical testing. Allele origin: germline.
Comment: Variant summary: BRCA1 c.4679G>T (p.Gly1560Val) results in a non-conservative amino acid change in the encoded protein sequence. Three of five in-silico tools predict a damaging effect of the variant on protein function. The variant allele was found at a frequency of 4e-06 in 250292 control chromosomes. The available data on variant occurrences in the general population are insufficient to allow any conclusion about variant significance. c.4679G>T has been reported in the literature in at-least one individual affected with Ovarian Cancer (example: Ferreyra_2023). These report(s) do not provide unequivocal conclusions about association of the variant with Hereditary Breast And Ovarian Cancer Syndrome. To our knowledge, no experimental evidence demonstrating an impact on protein function has been reported. The following publication has been ascertained in the context of this evaluation (PMID: 37664050). ClinVar contains an entry for this variant (Variation ID: 142627). Based on the evidence outlined above, the variant was classified as uncertain significance.

Baylor Genetics
Classification: Uncertain significance for Breast-ovarian cancer, familial, susceptibility to, 1. Last evaluated: 2024-03-29. Review status: criteria provided, single submitter. Criteria: ACMG Guidelines, 2015. Collection method: clinical testing. Allele origin: unknown.

All of Us Research Program, National Institutes of Health
Classification: Uncertain significance for Breast-ovarian cancer, familial, susceptibility to, 1. Last evaluated: 2023-12-13. Review status: criteria provided, single submitter. Criteria: ACMG Guidelines, 2015. Collection method: clinical testing. Allele origin: germline. Inheritance: Autosomal dominant inheritance. Observed: 1 variant allele, 1 heterozygote.
Comment: This missense variant replaces glycine with valine at codon 1560 of the BRCA1 protein. Computational prediction is inconclusive regarding the impact of this variant on protein structure and function (internally defined REVEL score threshold 0.5 < inconclusive < 0.7, PMID: 27666373). Splice site prediction tools suggest that this variant may not impact RNA splicing as supported by one RNA study (PMID: 29168416). To our knowledge, functional studies have not been performed on this variant protein. This variant has not been reported in individuals affected with hereditary cancer in the literature. This variant has been identified in 1/250292 chromosomes in the general population by the Genome Aggregation Database (gnomAD). The available evidence is insufficient to determine the role of this variant in disease conclusively. Therefore, this variant is classified as a Variant of Uncertain Significance.

This study involves interpretation of variants in research participants for the purpose of population health screening. Participant phenotype was not available at the time of variant classification. Additional details can be found in publication PMID: 35346344, PMCID: PMC8962531

Quest Diagnostics Nichols Institute San Juan Capistrano
Classification: Uncertain significance. Last evaluated: 2023-03-17. Review status: criteria provided, single submitter. Criteria: Quest Diagnostics criteria. Collection method: clinical testing. Allele origin: unknown.
Comment: The frequency of this variant in the general population, 0.000004 (1/250292 chromosomes), is uninformative in assessment of its pathogenicity. In the published literature, the variant has been reported in a single study of individuals with hereditary breast and/or ovarian cancer (PMID: 29168416 (2018)). Analysis of this variant using bioinformatics tools for the prediction of the effect of amino acid changes on protein structure and function yielded conflicting predictions that this variant is deleterious or benign. Based on the available information, we are unable to determine the clinical significance of this variant.

Department of Pathology and Laboratory Medicine, Sinai Health System
Classification: Uncertain significance for Hereditary breast ovarian cancer syndrome; Familial pancreatic carcinoma. Last evaluated: 2022-05-16. Review status: criteria provided, single submitter. Criteria: ACMG Guidelines, 2015. Collection method: clinical testing. Allele origin: germline. Affected: yes.

Literature cited by the submitters: PubMed 21520333 (cited by Labcorp Genetics (formerly Invitae), Labcorp); PubMed 37664050 (cited by Labcorp Genetics (formerly Invitae), Labcorp and Women's Health and Genetics/Laboratory Corporation of America, LabCorp); PubMed 29168416 (cited by 3 submitters).

NM_007294.4(BRCA1):c.4679G>T (p.Gly1560Val)

Gene: BRCA1 (BRCA1 DNA repair associated; minus strand). Cytogenetic location: 17q21.31.
Variant type: single nucleotide variant.
Coding change: c.4679G>T on transcript NM_007294.4 (MANE Select); coding-DNA position 4679, G replaced by T.
Protein change: p.Gly1560Val; replaces glycine 1560 with valine.
Molecular consequence: missense variant. On other transcripts: non-coding transcript variant (1).
Genome position (GRCh38, 1-based): chr17:43,071,235, C>A on the plus strand (G>T on the coding strand, the complement: BRCA1 is on the minus strand). VCF-style: chr17-43071235-C-A. GRCh37 (hg19) VCF-style: chr17-41223252-C-A.
Other names: c.4676G>T, p.Gly1559Val (NM_001407623.1, NM_001407624.1, NM_001407625.1 and 17 more transcripts); c.4673G>T, p.Gly1558Val (NM_001407627.1, NM_001407628.1, NM_001407629.1 and 14 more transcripts); c.4670G>T, p.Gly1557Val (NM_001407644.1, NM_001407645.1); c.4667G>T, p.Gly1556Val (NM_001407646.1); c.4664G>T, p.Gly1555Val (NM_001407647.1); c.4622G>T, p.Gly1541Val (NM_001407648.1); c.4619G>T, p.Gly1540Val (NM_001407649.1); c.4595G>T, p.Gly1532Val (NM_001407662.1, NM_001407663.1, NM_001407659.1 and 2 more transcripts); and 70 more; short protein forms G1560V, G1513V, G1581V, G456V, G1263V, G1447V, G1448V, G1470V.
Identifiers: ClinVar variation 142627 (VCV000142627.32), dbSNP rs564757581, ClinGen allele CA002974.